The following is an entry in ClinVar:

NM_015295.3(SMCHD1):c.1261G>A (p.Gly421Ser)

Gene: SMCHD1 (structural maintenance of chromosomes flexible hinge domain containing 1; plus strand). Cytogenetic location: 18p11.32.
Variant type: single nucleotide variant.
Coding change: c.1261G>A on transcript NM_015295.3 (MANE Select); coding-DNA position 1261, G replaced by A.
Protein change: p.Gly421Ser; replaces glycine 421 with serine.
Molecular consequence: missense variant.
Genome position (GRCh38, 1-based): chr18:2,697,960, G>A. VCF-style: chr18-2697960-G-A. GRCh37 (hg19) VCF-style: chr18-2697958-G-A.
Other names: short protein forms G421S.
Identifiers: ClinVar variation 3650027 (VCV003650027.2).

ClinVar aggregate classification (germline): Uncertain significance (1 of 4 stars; one submission).

Conditions:
Facioscapulohumeral muscular dystrophy 2 (FSHD2). Also called: MUSCULAR DYSTROPHY, FACIOSCAPULOHUMERAL, TYPE 1B; FACIOSCAPULOHUMERAL MUSCULAR DYSTROPHY 2, DIGENIC; FSHD2, DIGENIC. Identifiers: Orphanet 269, MedGen C1834671, MONDO:0008031, OMIM 158901.

Submission:

Labcorp Genetics (formerly Invitae), Labcorp
Classification: Uncertain significance for Facioscapulohumeral muscular dystrophy 2. Last evaluated: 2024-04-25. Review status: criteria provided, single submitter. Criteria: Invitae Variant Classification Sherloc (09022015). Collection method: clinical testing. Allele origin: germline.
Comment: This sequence change replaces glycine, which is neutral and non-polar, with serine, which is neutral and polar, at codon 421 of the SMCHD1 protein (p.Gly421Ser). This variant is not present in population databases (gnomAD no frequency). This variant has not been reported in the literature in individuals affected with SMCHD1-related conditions. Advanced modeling of protein sequence and biophysical properties (such as structural, functional, and spatial information, amino acid conservation, physicochemical variation, residue mobility, and thermodynamic stability) performed at Invitae indicates that this missense variant is not expected to disrupt SMCHD1 protein function with a negative predictive value of 80%. In summary, the available evidence is currently insufficient to determine the role of this variant in disease. Therefore, it has been classified as a Variant of Uncertain Significance.